The following is an entry in ClinVar:

NM_000038.6(APC):c.3084T>G (p.Ser1028Arg)

Gene: APC (APC regulator of Wnt signaling pathway; plus strand). Cytogenetic location: 5q22.2.
Variant type: single nucleotide variant.
Coding change: c.3084T>G on transcript NM_000038.6 (MANE Select); coding-DNA position 3084, T replaced by G.
Protein change: p.Ser1028Arg; replaces serine 1028 with arginine.
Molecular consequence: missense variant.
Genome position (GRCh38, 1-based): chr5:112,838,678, T>G. VCF-style: chr5-112838678-T-G. GRCh37 (hg19) VCF-style: chr5-112174375-T-G.
Other names: NM_000038.6(APC):c.3084T>G; p.Ser1028Arg; c.3084T>G, p.Ser1028Arg (NM_001127510.3, NM_001354895.2); c.3030T>G, p.Ser1010Arg (NM_001127511.3); c.3138T>G, p.Ser1046Arg (NM_001354896.2); c.3114T>G, p.Ser1038Arg (NM_001354897.2); c.3009T>G, p.Ser1003Arg (NM_001354898.2); c.3000T>G, p.Ser1000Arg (NM_001354899.2); and 7 more; short protein forms S1000R, S1038R, S1046R, S987R, S1028R, S745R, S902R, S969R.
Identifiers: ClinVar variation 862543 (VCV000862543.48), dbSNP rs876660265, ClinGen allele CA16028087.

ClinVar aggregate classification (germline): Uncertain significance. Review status: reviewed by expert panel (3 of 4 stars). 3 submissions from 3 submitters: Uncertain significance (1). 2 of the submissions do not count toward it. Last evaluated 2023-02-25.

Conditions:
Familial adenomatous polyposis 1 (FAP1). Also called: POLYPOSIS, ADENOMATOUS INTESTINAL; FAMILIAL ADENOMATOUS POLYPOSIS 1, ATTENUATED. Identifiers: MedGen C2713442, MONDO:0021056, OMIM 175100. Disease mechanism: loss of function.

Submissions (3):

ClinGen InSiGHT Hereditary Colorectal Cancer/Polyposis Variant Curation Expert Panel
Classification: Uncertain significance for Familial adenomatous polyposis 1. Last evaluated: 2023-02-25. Review status: reviewed by expert panel. Criteria: ClinGen InSiGHT HCCP VCEP ACMG Specifications APC V1. Collection method: curation. Allele origin: germline. Inheritance: Autosomal dominant inheritance.
Comment: The c.3084T>G variant in APC is a missense variant predicted to cause the substitution of serine by arginine at codon 1028 (p.Ser1028Arg). Another missense variant c.3084T>A (p.Ser1028Arg) at the same nucleotide position leading to the same amino acid change has been classified as Likely Pathogenic for FAP according to the APC VCEP specifications (PS1_Moderate). Another missense variant c.3083G>T (p.Ser1028Ile) in the same codon leading to a different amino acid change has been classified as Likely Pathogenic for FAP according to the APC VCEP specifications (PM5_Supporting). This variant was identified in 1 proband with polyposis not meeting phenotype criteria (PS4_variable not met; Invitae internal data). Finally, this variant is absent from gnomAD v2.1.1 (PM2_Supporting). In Summary, due to insufficient evidence, this variant is a Variant of Uncertain Significance (VUS) for FAP based on the ACMG/AMP criteria applied, as specified by the ClinGen InSiGHT Hereditary Colorectal Cancer/Polyposis Variant Curation Expert Panel: PS1_Moderate, PM2_Supporting, PM5_Supporting (VCEP specifications version 1; date of approval: 12/12/2022).

CeGaT Center for Human Genetics Tuebingen
Classification: Uncertain significance. Last evaluated: 2020-04-01. Review status: criteria provided, single submitter. Criteria: CeGaT Center For Human Genetics Tuebingen Variant Classification Criteria Version 2. Collection method: clinical testing. Allele origin: germline. Affected: yes. Observed: 1 variant allele. Not counted in ClinVar's aggregate classification.

Labcorp Genetics (formerly Invitae), Labcorp
Classification: Uncertain significance for Familial adenomatous polyposis 1. Last evaluated: 2019-04-08. Review status: criteria provided, single submitter. Criteria: Invitae Variant Classification Sherloc (09022015). Collection method: clinical testing. Allele origin: germline. Not counted in ClinVar's aggregate classification.
Comment: This sequence change replaces serine with arginine at codon 1028 of the APC protein (p.Ser1028Arg). The serine residue is highly conserved and there is a moderate physicochemical difference between serine and arginine. This variant is not present in population databases (ExAC no frequency). This variant has not been reported in the literature in individuals with APC-related conditions. Algorithms developed to predict the effect of missense changes on protein structure and function are either unavailable or do not agree on the potential impact of this missense change (SIFT: "Deleterious"; PolyPhen-2: "Probably Damaging"; Align-GVGD: "Class C0"). In summary, the available evidence is currently insufficient to determine the role of this variant in disease. Therefore, it has been classified as a Variant of Uncertain Significance.